The following is an entry in ClinVar:

NM_006379.5(SEMA3C):c.1044G>T (p.Val348=)

Gene: SEMA3C (semaphorin 3C; minus strand). Cytogenetic location: 7q21.11.
Variant type: single nucleotide variant.
Coding change: c.1044G>T on transcript NM_006379.5 (MANE Select); coding-DNA position 1044, G replaced by T.
Protein change: p.Val348=; no amino-acid change (valine 348 retained).
Molecular consequence: synonymous variant.
Genome position (GRCh38, 1-based): chr7:80,798,179, C>A on the plus strand (G>T on the coding strand, the complement: SEMA3C is on the minus strand). VCF-style: chr7-80798179-C-A. GRCh37 (hg19) VCF-style: chr7-80427495-C-A.
Other names: c.1098G>T, p.Val366= (NM_001350120.2); c.870G>T, p.Val290= (NM_001350121.2).
Identifiers: ClinVar variation 3059373 (VCV003059373.2), dbSNP rs1880959, ClinGen allele CA4316232.

ClinVar aggregate classification (germline): Benign (0 of 4 stars; one submission).

Conditions:
SEMA3C-related disorder. Also called: SEMA3C-related condition.

Allele frequency attached by ClinVar (database versions not stated): 1000 Genomes Project 30x 0.04669; 1000 Genomes Project 0.04732; TOPMed 0.07932; gnomAD 0.07942; gnomAD exomes 0.08621; ESP Exome Variant Server 0.09111.
gnomAD v4.1: 136,789 of 1,605,138 alleles (8.5%); highest among the groups gnomAD compares: Non-Finnish European, 9.7%; 6,331 homozygotes.

Submission:

PreventionGenetics, part of Exact Sciences
Classification: Benign for SEMA3C-related condition. Last evaluated: 2023-01-03. Review status: no assertion criteria provided. Collection method: clinical testing. Allele origin: germline.
Comment: This variant is classified as benign based on ACMG/AMP sequence variant interpretation guidelines (Richards et al. 2015 PMID: 25741868, with internal and published modifications).